The following is an entry in ClinVar:

NM_006662.3(SRCAP):c.8510G>A (p.Gly2837Asp)

Gene: SRCAP (Snf2 related CREBBP activator protein; plus strand). Cytogenetic location: 16p11.2.
Variant type: single nucleotide variant.
Coding change: c.8510G>A on transcript NM_006662.3 (MANE Select); coding-DNA position 8510, G replaced by A.
Protein change: p.Gly2837Asp; replaces glycine 2837 with aspartic acid.
Molecular consequence: missense variant.
Genome position (GRCh38, 1-based): chr16:30,738,550, G>A. VCF-style: chr16-30738550-G-A. GRCh37 (hg19) VCF-style: chr16-30749871-G-A.
Other names: short protein forms G2837D.
Identifiers: ClinVar variation 1483041 (VCV001483041.8), dbSNP rs780189416, ClinGen allele CA395637902.

ClinVar aggregate classification (germline): Uncertain significance (1 of 4 stars; one submission).

gnomAD v4.1: 2 of 1,611,694 alleles (0.00012%); highest among the groups gnomAD compares: Non-Finnish European, 0.00017%; no homozygotes.

Submission:

Labcorp Genetics (formerly Invitae), Labcorp
Classification: Uncertain significance. Last evaluated: 2022-02-05. Review status: criteria provided, single submitter. Criteria: Invitae Variant Classification Sherloc (09022015). Collection method: clinical testing. Allele origin: germline.
Comment: Algorithms developed to predict the effect of missense changes on protein structure and function are either unavailable or do not agree on the potential impact of this missense change (SIFT: "Deleterious"; PolyPhen-2: "Not Available"; Align-GVGD: "Class C0"). In summary, the available evidence is currently insufficient to determine the role of this variant in disease. Therefore, it has been classified as a Variant of Uncertain Significance. This variant has not been reported in the literature in individuals affected with SRCAP-related conditions. This variant is not present in population databases (gnomAD no frequency). This sequence change replaces glycine, which is neutral and non-polar, with aspartic acid, which is acidic and polar, at codon 2837 of the SRCAP protein (p.Gly2837Asp).